The following is an entry in ClinVar:

NM_000370.3(TTPA):c.635C>A (p.Pro212Gln)

Gene: TTPA (alpha tocopherol transfer protein; minus strand). Cytogenetic location: 8q12.3.
Variant type: single nucleotide variant.
Coding change: c.635C>A on transcript NM_000370.3 (MANE Select); coding-DNA position 635, C replaced by A.
Protein change: p.Pro212Gln; replaces proline 212 with glutamine.
Molecular consequence: missense variant.
Genome position (GRCh38, 1-based): chr8:63,064,234, G>T on the plus strand (C>A on the coding strand, the complement: TTPA is on the minus strand). VCF-style: chr8-63064234-G-T. GRCh37 (hg19) VCF-style: chr8-63976793-G-T.
Other names: short protein forms P212Q.
Identifiers: ClinVar variation 911007 (VCV000911007.49), dbSNP rs141163645, ClinGen allele CA4763185.

ClinVar aggregate classification (germline): Uncertain significance. Review status: criteria provided, multiple submitters, no conflicts (2 of 4 stars). 6 submissions from 6 submitters: Uncertain significance (5). 1 of the submissions does not count toward it. Last evaluated 2025-09-01.

Conditions:
Inborn genetic diseases. Identifiers: MedGen C0950123, MeSH D030342.
Familial isolated deficiency of vitamin E (AVED). Also called: ATAXIA, FRIEDREICH-LIKE, WITH SELECTIVE VITAMIN E DEFICIENCY; Ataxia with isolated vitamin E deficiency. Identifiers: Orphanet 96, MedGen C1848533, MONDO:0010188, OMIM 277460.

Allele frequency attached by ClinVar (database versions not stated): ExAC 0.00008; gnomAD exomes 0.00008; gnomAD 0.00011 and 0.00012; TOPMed 0.00013; ESP Exome Variant Server 0.00031.
gnomAD v4.1: 353 of 1,612,724 alleles (0.022%); highest among the groups gnomAD compares: Non-Finnish European, 0.028%; no homozygotes.

Submissions (6):

Ambry Genetics
Classification: Uncertain significance for Inborn genetic diseases. Last evaluated: 2025-09-01. Review status: criteria provided, single submitter. Criteria: Ambry Variant Classification Scheme 2023. Collection method: clinical testing. Allele origin: germline.

Labcorp Genetics (formerly Invitae), Labcorp
Classification: Uncertain significance. Last evaluated: 2025-01-13. Review status: criteria provided, single submitter. Criteria: Invitae Variant Classification Sherloc (09022015). Collection method: clinical testing. Allele origin: germline.
Comment: This sequence change replaces proline, which is neutral and non-polar, with glutamine, which is neutral and polar, at codon 212 of the TTPA protein (p.Pro212Gln). This variant is present in population databases (rs141163645, gnomAD 0.02%). This variant has not been reported in the literature in individuals affected with TTPA-related conditions. ClinVar contains an entry for this variant (Variation ID: 911007). Invitae Evidence Modeling of protein sequence and biophysical properties (such as structural, functional, and spatial information, amino acid conservation, physicochemical variation, residue mobility, and thermodynamic stability) indicates that this missense variant is not expected to disrupt TTPA protein function with a negative predictive value of 80%. In summary, the available evidence is currently insufficient to determine the role of this variant in disease. Therefore, it has been classified as a Variant of Uncertain Significance.

CeGaT Center for Human Genetics Tuebingen
Classification: Uncertain significance. Last evaluated: 2024-09-01. Review status: criteria provided, single submitter. Criteria: CeGaT Center For Human Genetics Tuebingen Variant Classification Criteria Version 2. Collection method: clinical testing. Allele origin: germline. Affected: yes. Observed: 2 variant alleles.
Comment: TTPA: PM2

Blueprint Genetics
Classification: Uncertain significance. Last evaluated: 2024-08-05. Review status: criteria provided, single submitter. Criteria: ACMG Guidelines, 2015. Collection method: clinical testing. Allele origin: germline.

Illumina Laboratory Services, Illumina
Classification: Uncertain significance for Familial isolated deficiency of vitamin E. Last evaluated: 2018-01-15. Review status: criteria provided, single submitter. Criteria: ICSL Variant Classification Criteria 13 December 2019. Collection method: clinical testing. Allele origin: germline.

Natera, Inc.
Classification: Uncertain significance for Ataxia with isolated vitamin E deficiency. Last evaluated: 2020-01-26. Review status: no assertion criteria provided. Collection method: clinical testing. Allele origin: germline. Not counted in ClinVar's aggregate classification.